The following is an entry in ClinVar:

ClinVar aggregate classification (germline): Likely benign (1 of 4 stars; one submission).

Allele frequency attached by ClinVar (database versions not stated): gnomAD exomes below 0.00001; ExAC 0.00001; gnomAD 0.00001.
gnomAD v4.1: 10 of 1,614,020 alleles (0.00062%); highest among the groups gnomAD compares: African/African-American, 0.0027%; no homozygotes.

Submission:

CeGaT Center for Human Genetics Tuebingen
Classification: Likely benign. Last evaluated: 2023-04-01. Review status: criteria provided, single submitter. Criteria: CeGaT Center For Human Genetics Tuebingen Variant Classification Criteria Version 2. Collection method: clinical testing. Allele origin: germline. Affected: yes. Observed: 1 variant allele.
Comment: ATP1A2: BP4, BP7

NM_000702.4(ATP1A2):c.1173C>T (p.Phe391=)

Gene: ATP1A2 (ATPase Na+/K+ transporting subunit alpha 2; plus strand). Cytogenetic location: 1q23.2.
Variant type: single nucleotide variant.
Coding change: c.1173C>T on transcript NM_000702.4 (MANE Select); coding-DNA position 1173, C replaced by T.
Protein change: p.Phe391=; no amino-acid change (phenylalanine 391 retained).
Molecular consequence: synonymous variant.
Genome position (GRCh38, 1-based): chr1:160,128,807, C>T. VCF-style: chr1-160128807-C-T. GRCh37 (hg19) VCF-style: chr1-160098597-C-T.
Identifiers: ClinVar variation 2639494 (VCV002639494.24), dbSNP rs757553462, ClinGen allele CA1194381.